The following is an entry in ClinVar:

NM_001040616.3(LINS1):c.1007C>T (p.Ala336Val)

Gene: LINS1 (lines homolog 1; minus strand). Cytogenetic location: 15q26.3.
Variant type: single nucleotide variant.
Coding change: c.1007C>T on transcript NM_001040616.3 (MANE Select); coding-DNA position 1007, C replaced by T.
Protein change: p.Ala336Val; replaces alanine 336 with valine.
Molecular consequence: missense variant. On other transcripts: non-coding transcript variant (3).
Genome position (GRCh38, 1-based): chr15:100,573,866, G>A on the plus strand (C>T on the coding strand, the complement: LINS1 is on the minus strand). VCF-style: chr15-100573866-G-A. GRCh37 (hg19) VCF-style: chr15-101114071-G-A.
Other names: c.260C>T, p.Ala87Val (NM_001352507.2); c.962C>T, p.Ala321Val (NM_001352508.2); short protein forms A321V, A336V, A87V.
Identifiers: ClinVar variation 1799610 (VCV001799610.2), dbSNP rs1305230412, ClinGen allele CA393935682.
Genomic context (GRCh38, chr15:100,573,866, plus strand): 5'-TAAACAGACAGTGTCTTCAACAACCCCGAATTCACAGCTTGCAAAACAGCATTAGCTAAA[G>A]CCAGCATGTCCACCGCTACATGATGGTCTGGCGGCATTAAGGCAGGCACAGATCCACGAC-3'
Protein context (NP_001035706.2, residues 326-346): PDHHVAVDML[Ala336Val]LANAVLQAVN

ClinVar aggregate classification (germline): Uncertain significance (1 of 4 stars; one submission).

Conditions:
Inborn genetic diseases. Identifiers: MedGen C0950123, MeSH D030342.

gnomAD v4.1: 6 of 1,614,222 alleles (0.00037%); highest among the groups gnomAD compares: South Asian, 0.0011%; no homozygotes.

Submission:

Ambry Genetics
Classification: Uncertain significance for Inborn genetic diseases. Last evaluated: 2019-05-24. Review status: criteria provided, single submitter. Criteria: Ambry Variant Classification Scheme 2023. Collection method: clinical testing. Allele origin: germline.
Comment: The p.A336V variant (also known as c.1007C>T), located in coding exon 4 of the LINS gene, results from a C to T substitution at nucleotide position 1007. The alanine at codon 336 is replaced by valine, an amino acid with similar properties. This amino acid position is not well conserved in available vertebrate species. In addition, this alteration is predicted to be tolerated by in silico analysis. Since supporting evidence is limited at this time, the clinical significance of this alteration remains unclear.